The following is an entry in ClinVar:

ClinVar aggregate classification (germline): Likely benign (1 of 4 stars; one submission).

gnomAD v4.1: 78 of 1,612,888 alleles (0.0048%); highest among the groups gnomAD compares: Non-Finnish European, 0.0064%; no homozygotes.

Submission:

CeGaT Center for Human Genetics Tuebingen
Classification: Likely benign. Last evaluated: 2026-07-01. Review status: criteria provided, single submitter. Criteria: CeGaT Center For Human Genetics Tuebingen Variant Classification Criteria Version 2. Collection method: clinical testing. Allele origin: germline. Affected: yes. Observed: 1 variant allele.
Comment: HLA-DPA1: BP4, BP7

NM_033554.4(HLA-DPA1):c.489C>T (p.Val163=)

Gene: HLA-DPA1 (major histocompatibility complex, class II, DP alpha 1; minus strand). Cytogenetic location: 6p21.32.
Variant type: single nucleotide variant.
Coding change: c.489C>T on transcript NM_033554.4 (MANE Select); coding-DNA position 489, C replaced by T.
Protein change: p.Val163=; no amino-acid change (valine 163 retained).
Molecular consequence: synonymous variant.
Genome position (GRCh38, 1-based): chr6:33,069,158, G>A on the plus strand (C>T on the coding strand, the complement: HLA-DPA1 is on the minus strand). VCF-style: chr6-33069158-G-A. GRCh37 (hg19) VCF-style: chr6-33036935-G-A.
Other names: c.489C>T, p.Val163= (NM_001242524.2, NM_001242525.2, NM_001405020.1).
Identifiers: ClinVar variation 5038979 (VCV005038979.1).